The following is an entry in ClinVar:

NM_004006.3(DMD):c.6350_6353dup (p.Trp2119fs)

Gene: DMD (dystrophin; minus strand). Cytogenetic location: Xp21.1.
Variant type: Duplication.
Coding change: c.6350_6353dup on transcript NM_004006.3 (MANE Select); coding-DNA positions 6350 to 6353, 4 bases duplicated (ATCA; older notation c.6350_6353dupATCA).
Protein change: p.Trp2119fs; shifts the reading frame from tryptophan 2119.
Molecular consequence: frameshift variant.
Genome position (GRCh38, 1-based): chrX:32,217,001-32,217,004, TGAT duplicated on the plus strand (ATCA on the coding strand, the reverse complement: DMD is on the minus strand); duplicating any 4 consecutive bases within chrX:32,217,001-32,217,005 gives the same sequence; the c. name uses the placement nearest the transcript's 3' end. VCF-style (leftmost placement, unchanged base first): chrX-32217000-C-CTGAT. GRCh37 (hg19) VCF-style: chrX-32235117-C-CTGAT.
Other names: c.6326_6329dup, p.Trp2111fs (NM_000109.4); c.6338_6341dup, p.Trp2115fs (NM_004009.3); c.5981_5984dup, p.Trp1996fs (NM_004010.3); c.2327_2330dup, p.Trp778fs (NM_004011.4); c.2318_2321dup, p.Trp775fs (NM_004012.4); short protein forms W2111fs, W2115fs, W778fs, W775fs, W2119fs, W1996fs.
Identifiers: ClinVar variation 4722487 (VCV004722487.1).

ClinVar aggregate classification (germline): Pathogenic (1 of 4 stars; one submission).

Conditions:
Duchenne muscular dystrophy (DMD). Also called: MUSCULAR DYSTROPHY, PSEUDOHYPERTROPHIC PROGRESSIVE, DUCHENNE TYPE; Duchenne Muscular Dystrophy (DMD). Identifiers: Orphanet 98896, MedGen C0013264, MONDO:0010679, OMIM 310200.

Submission:

Labcorp Genetics (formerly Invitae), Labcorp
Classification: Pathogenic for Duchenne muscular dystrophy. Last evaluated: 2025-07-02. Review status: criteria provided, single submitter. Criteria: Invitae Variant Classification Sherloc (09022015). Collection method: clinical testing. Allele origin: germline.
Comment: This sequence change creates a premature translational stop signal (p.Trp2119Serfs*7) in the DMD gene. It is expected to result in an absent or disrupted protein product. Loss-of-function variants in DMD are known to be pathogenic (PMID: 16770791, 25007885). This variant is not present in population databases (gnomAD no frequency). This variant has not been reported in the literature in individuals affected with DMD-related conditions. For these reasons, this variant has been classified as Pathogenic.

Literature cited by the submitters: PubMed 16770791; PubMed 25007885.